The following is an entry in ClinVar:

NM_001034853.2(RPGR):c.2620G>T (p.Gly874Ter)

Gene: RPGR (retinitis pigmentosa GTPase regulator; minus strand). Cytogenetic location: Xp11.4.
Variant type: single nucleotide variant.
Coding change: c.2620G>T on transcript NM_001034853.2 (MANE Select); coding-DNA position 2620, G replaced by T.
Protein change: p.Gly874Ter; replaces glycine 874 with a stop codon.
Molecular consequence: nonsense. On other transcripts: intron variant (8).
Genome position (GRCh38, 1-based): chrX:38,286,379, C>A on the plus strand (G>T on the coding strand, the complement: RPGR is on the minus strand). VCF-style: chrX-38286379-C-A. GRCh37 (hg19) VCF-style: chrX-38145632-C-A.
Other names: c.1572+4580G>T (NM_001367247.1); c.1905+715G>T (NM_000328.3); c.1602+4580G>T (NM_001367248.1); c.1569+4580G>T (NM_001367249.1, NM_001367250.1); c.1902+715G>T (NM_001367245.1); c.1386+4580G>T (NM_001367251.1); c.1719+715G>T (NM_001367246.1); short protein forms G874*.
Identifiers: ClinVar variation 4291796 (VCV004291796.1).

ClinVar aggregate classification (germline): Pathogenic (1 of 4 stars; one submission).

Conditions:
Retinitis pigmentosa 3. Also called: CHOROIDORETINAL DEGENERATION WITH RETINAL REFLEX IN HETEROZYGOUS WOMEN. Identifiers: Orphanet 791, MedGen C1845667, MONDO:0010227, OMIM 300029.

Submission:

3billion
Classification: Pathogenic for Retinitis pigmentosa 3. Last evaluated: 2025-01-18. Review status: criteria provided, single submitter. Criteria: ACMG Guidelines, 2015. Collection method: clinical testing. Allele origin: germline. Affected: yes.
Comment: The variant is not observed in the gnomAD v4.1.0 dataset. Predicted Consequence/Location: Stop-gained (nonsense): predicted to result in a loss or disruption of normal protein function through protein truncation. Multiple pathogenic variants are reported in the predicted truncated region. The variant has been reported to be associated with RPGR-related disorder (PMID: 19429592). Therefore, this variant is classified as Pathogenic according to the recommendation of ACMG/AMP guideline.

Literature cited by the submitters: PubMed 19429592.